The following is an entry in ClinVar:

ClinVar aggregate classification (germline): Uncertain significance (1 of 4 stars; one submission).

Conditions:
Arrhythmogenic right ventricular dysplasia 8 (ARVD8). Also called: ARRHYTHMOGENIC RIGHT VENTRICULAR DYSPLASIA, FAMILIAL, 8; ARRHYTHMOGENIC RIGHT VENTRICULAR CARDIOMYOPATHY 8; Arrhythmogenic Right Ventricular Dysplasia/Cardiomyopathy 8. Identifiers: MedGen C1843896, MONDO:0011831, OMIM 607450.
Arrhythmogenic cardiomyopathy with wooly hair and keratoderma. Also called: Dilated cardiomyopathy with woolly hair and keratoderma; Arrhythmogenic cardiomyopathy with woolly hair and keratoderma; PALMOPLANTAR KERATODERMA WITH LEFT VENTRICULAR CARDIOMYOPATHY AND WOOLLY HAIR; Carvajal syndrome. Identifiers: Orphanet 65282, MedGen C1854063, MONDO:0011581, OMIM 605676.

Allele frequency attached by ClinVar (database versions not stated): gnomAD exomes below 0.00001; TOPMed 0.00001.
gnomAD v4.1: 2 of 1,612,870 alleles (0.00012%); highest among the groups gnomAD compares: Non-Finnish European, 0.00017%; no homozygotes.

Submission:

Labcorp Genetics (formerly Invitae), Labcorp
Classification: Uncertain significance for Arrhythmogenic cardiomyopathy with wooly hair and keratoderma; Arrhythmogenic right ventricular dysplasia 8. Last evaluated: 2025-01-22. Review status: criteria provided, single submitter. Criteria: Invitae Variant Classification Sherloc (09022015). Collection method: clinical testing. Allele origin: germline.
Comment: This sequence change falls in intron 21 of the DSP gene. It does not directly change the encoded amino acid sequence of the DSP protein. It affects a nucleotide within the consensus splice site. This variant is not present in population databases (gnomAD no frequency). This variant has not been reported in the literature in individuals affected with DSP-related conditions. ClinVar contains an entry for this variant (Variation ID: 1949494). Variants that disrupt the consensus splice site are a relatively common cause of aberrant splicing (PMID: 17576681, 9536098). Algorithms developed to predict the effect of sequence changes on RNA splicing suggest that this variant is not likely to affect RNA splicing. In summary, the available evidence is currently insufficient to determine the role of this variant in disease. Therefore, it has been classified as a Variant of Uncertain Significance.

Literature cited by the submitters: PubMed 17576681; PubMed 9536098.

NM_004415.4(DSP):c.2986-3A>C

Gene: DSP (desmoplakin; plus strand). Cytogenetic location: 6p24.3.
Variant type: single nucleotide variant.
Coding change: c.2986-3A>C on transcript NM_004415.4 (MANE Select); 3 bases into the intron before coding-DNA position 2986, A replaced by C.
Molecular consequence: intron variant.
Genome position (GRCh38, 1-based): chr6:7,578,461, A>C. VCF-style: chr6-7578461-A-C. GRCh37 (hg19) VCF-style: chr6-7578694-A-C.
Other names: c.2986-3A>C (NM_001319034.2, NM_001008844.3).
Identifiers: ClinVar variation 1949494 (VCV001949494.5), dbSNP rs1462573597, ClinGen allele CA828076224.